The following is an entry in ClinVar:

NM_199420.4(POLQ):c.1894T>G (p.Phe632Val)

Gene: POLQ (DNA polymerase theta; minus strand). Cytogenetic location: 3q13.33.
Variant type: single nucleotide variant.
Coding change: c.1894T>G on transcript NM_199420.4 (MANE Select); coding-DNA position 1894, T replaced by G.
Protein change: p.Phe632Val; replaces phenylalanine 632 with valine.
Molecular consequence: missense variant.
Genome position (GRCh38, 1-based): chr3:121,509,626, A>C on the plus strand (T>G on the coding strand, the complement: POLQ is on the minus strand). VCF-style: chr3-121509626-A-C. GRCh37 (hg19) VCF-style: chr3-121228473-A-C.
Other names: short protein forms F632V.
Identifiers: ClinVar variation 3229862 (VCV003229862.1), dbSNP rs372070528, ClinGen allele CA354113587.

ClinVar aggregate classification (germline): Uncertain significance (1 of 4 stars; one submission).

Submission:

Ambry Genetics
Classification: Uncertain significance. Last evaluated: 2024-01-12. Review status: criteria provided, single submitter. Criteria: Ambry Variant Classification Scheme 2023. Collection method: clinical testing. Allele origin: germline.
Comment: The p.F632V variant (also known as c.1894T>G), located in coding exon 12 of the POLQ gene, results from a T to G substitution at nucleotide position 1894. The phenylalanine at codon 632 is replaced by valine, an amino acid with highly similar properties. This amino acid position is conserved. In addition, the in silico prediction for this alteration is inconclusive. Since supporting evidence is limited at this time, the clinical significance of this alteration remains unclear.